The following is an entry in ClinVar:

ClinVar aggregate classification (germline): Benign. Review status: criteria provided, multiple submitters, no conflicts (2 of 4 stars). 5 submissions from 5 submitters: Benign (4). 1 of the submissions does not count toward it. Last evaluated 2026-01-15.

Conditions:
TUBB3-related disorder. Also called: TUBB3-related disorders; TUBB3-related condition.

Allele frequency attached by ClinVar (database versions not stated): ESP Exome Variant Server 0.00131; 1000 Genomes Project 30x 0.00156; 1000 Genomes Project 0.00160; TOPMed 0.00167.
gnomAD v4.1: 445 of 1,612,916 alleles (0.028%); highest among the groups gnomAD compares: African/African-American, 0.54%; no homozygotes.

Submissions (5):

Labcorp Genetics (formerly Invitae), Labcorp
Classification: Benign. Last evaluated: 2026-01-15. Review status: criteria provided, single submitter. Criteria: Invitae Variant Classification Sherloc (09022015). Collection method: clinical testing. Allele origin: germline.

GeneDx
Classification: Benign. Last evaluated: 2020-02-20. Review status: criteria provided, single submitter. Criteria: GeneDx Variant Classification Process June 2021. Collection method: clinical testing. Allele origin: germline. Affected: yes.

Eurofins Ntd Llc (ga)
Classification: Benign. Last evaluated: 2018-01-22. Review status: criteria provided, single submitter. Criteria: EGL Classification Definitions 2015. Collection method: clinical testing. Allele origin: germline. Observed: 1 variant allele, 1 heterozygote.

Genetic Services Laboratory, University of Chicago
Classification: Benign. Last evaluated: 2017-09-14. Review status: criteria provided, single submitter. Criteria: ACMG Guidelines, 2015. Collection method: clinical testing. Allele origin: germline. Affected: no.

PreventionGenetics, part of Exact Sciences
Classification: Benign for TUBB3-related condition. Last evaluated: 2024-06-18. Review status: no assertion criteria provided. Collection method: clinical testing. Allele origin: germline. Not counted in ClinVar's aggregate classification.
Comment: This variant is classified as benign based on ACMG/AMP sequence variant interpretation guidelines (Richards et al. 2015 PMID: 25741868, with internal and published modifications).

NM_006086.4(TUBB3):c.167-5C>G

Gene: TUBB3 (tubulin beta 3 class III; plus strand). Cytogenetic location: 16q24.3.
Variant type: single nucleotide variant.
Coding change: c.167-5C>G on transcript NM_006086.4 (MANE Select); 5 bases into the intron before coding-DNA position 167, C replaced by G.
Molecular consequence: intron variant.
Genome position (GRCh38, 1-based): chr16:89,933,463, C>G. VCF-style: chr16-89933463-C-G. GRCh37 (hg19) VCF-style: chr16-89999871-C-G.
Other names: c.-50-5C>G (NM_001197181.2).
Identifiers: ClinVar variation 391738 (VCV000391738.21), dbSNP rs147928399, ClinGen allele CA8256005.